The following is an entry in ClinVar:

NM_004237.4(TRIP13):c.1110C>T (p.Ser370=)

Gene: TRIP13 (thyroid hormone receptor interactor 13; plus strand). Cytogenetic location: 5p15.33.
Variant type: single nucleotide variant.
Coding change: c.1110C>T on transcript NM_004237.4 (MANE Select); coding-DNA position 1110, C replaced by T.
Protein change: p.Ser370=; no amino-acid change (serine 370 retained).
Molecular consequence: synonymous variant.
Genome position (GRCh38, 1-based): chr5:914,554, C>T. VCF-style: chr5-914554-C-T. GRCh37 (hg19) VCF-style: chr5-914669-C-T.
Identifiers: ClinVar variation 722937 (VCV000722937.9), dbSNP rs145170850, ClinGen allele CA3180079.

ClinVar aggregate classification (germline): Benign/Likely benign. Review status: criteria provided, multiple submitters, no conflicts (2 of 4 stars). 3 submissions from 3 submitters: Benign (1); Likely benign (1). 1 of the submissions does not count toward it. Last evaluated 2026-02-02.

Conditions:
TRIP13-related disorder. Also called: TRIP13-related condition.

Allele frequency attached by ClinVar (database versions not stated): gnomAD exomes 0.00023 and 0.00066; ExAC 0.00079; 1000 Genomes Project 30x 0.00156; 1000 Genomes Project 0.00160; gnomAD 0.00210 and 0.00228; ESP Exome Variant Server 0.00215; TOPMed 0.00237.
gnomAD v4.1: 665 of 1,613,306 alleles (0.041%); highest among the groups gnomAD compares: African/African-American, 0.67%; 2 homozygotes.

Submissions (3):

Labcorp Genetics (formerly Invitae), Labcorp
Classification: Benign. Last evaluated: 2026-02-02. Review status: criteria provided, single submitter. Criteria: Invitae Variant Classification Sherloc (09022015). Collection method: clinical testing. Allele origin: germline.

Blueprint Genetics
Classification: Likely benign. Last evaluated: 2024-06-28. Review status: criteria provided, single submitter. Criteria: ACMG Guidelines, 2015. Collection method: clinical testing. Allele origin: germline.

PreventionGenetics, part of Exact Sciences
Classification: Benign for TRIP13-related condition. Last evaluated: 2021-05-06. Review status: no assertion criteria provided. Collection method: clinical testing. Allele origin: germline. Not counted in ClinVar's aggregate classification.
Comment: This variant is classified as benign based on ACMG/AMP sequence variant interpretation guidelines (Richards et al. 2015 PMID: 25741868, with internal and published modifications).